The following is an entry in ClinVar:

ClinVar aggregate classification (germline): Uncertain significance (1 of 4 stars; one submission).

Conditions:
Joubert syndrome. Also called: CEREBELLOPARENCHYMAL DISORDER IV; JOUBERT-BOLTSHAUSER SYNDROME; Familial aplasia of the vermis. Identifiers: Orphanet 475, MedGen C5979921, MONDO:0018772.
Meckel-Gruber syndrome. Also called: DYSENCEPHALIA SPLANCHNOCYSTICA; GRUBER SYNDROME; Dysencephalia splachnocystica. Identifiers: Orphanet 564, MedGen C0265215, MONDO:0018921.

Allele frequency attached by ClinVar (database versions not stated): TOPMed 0.00003; ESP Exome Variant Server 0.00008; gnomAD 0.00001; gnomAD exomes 0.00001; ExAC 0.00002.
gnomAD v4.1: 6 of 1,613,466 alleles (0.00037%); highest among the groups gnomAD compares: African/African-American, 0.0053%; no homozygotes.

Submission:

Labcorp Genetics (formerly Invitae), Labcorp
Classification: Uncertain significance for Joubert syndrome; Meckel-Gruber syndrome. Last evaluated: 2025-02-03. Review status: criteria provided, single submitter. Criteria: Invitae Variant Classification Sherloc (09022015). Collection method: clinical testing. Allele origin: germline.
Comment: This sequence change replaces aspartic acid, which is acidic and polar, with histidine, which is basic and polar, at codon 510 of the TCTN2 protein (p.Asp510His). This variant is present in population databases (rs368451729, gnomAD 0.02%). This variant has not been reported in the literature in individuals affected with TCTN2-related conditions. ClinVar contains an entry for this variant (Variation ID: 2190436). Invitae Evidence Modeling of protein sequence and biophysical properties (such as structural, functional, and spatial information, amino acid conservation, physicochemical variation, residue mobility, and thermodynamic stability) indicates that this missense variant is not expected to disrupt TCTN2 protein function with a negative predictive value of 80%. In summary, the available evidence is currently insufficient to determine the role of this variant in disease. Therefore, it has been classified as a Variant of Uncertain Significance.

NM_024809.5(TCTN2):c.1528G>C (p.Asp510His)

Gene: TCTN2 (tectonic family member 2; plus strand). Cytogenetic location: 12q24.31.
Variant type: single nucleotide variant.
Coding change: c.1528G>C on transcript NM_024809.5 (MANE Select); coding-DNA position 1528, G replaced by C.
Protein change: p.Asp510His; replaces aspartic acid 510 with histidine.
Molecular consequence: missense variant.
Genome position (GRCh38, 1-based): chr12:123,699,726, G>C. VCF-style: chr12-123699726-G-C. GRCh37 (hg19) VCF-style: chr12-124184273-G-C.
Other names: c.1525G>C, p.Asp509His (NM_001143850.3); c.1393G>C, p.Asp465His (NM_001410989.1); short protein forms D465H, D510H, D509H.
Identifiers: ClinVar variation 2190436 (VCV002190436.4), dbSNP rs368451729, ClinGen allele CA6861248.